The following is an entry in ClinVar:

NM_022552.5(DNMT3A):c.1555-10T>A

Gene: DNMT3A (DNA methyltransferase 3 alpha; minus strand). Cytogenetic location: 2p23.3.
Variant type: single nucleotide variant.
Coding change: c.1555-10T>A on transcript NM_022552.5 (MANE Select); 10 bases into the intron before coding-DNA position 1555, T replaced by A.
Molecular consequence: intron variant.
Genome position (GRCh38, 1-based): chr2:25,244,662, A>T on the plus strand (T>A on the coding strand, the complement: DNMT3A is on the minus strand). VCF-style: chr2-25244662-A-T. GRCh37 (hg19) VCF-style: chr2-25467531-A-T.
Other names: c.1555-10T>A (NM_175629.2); c.988-10T>A (NM_153759.3); c.1099-10T>A (NM_001320893.1); c.886-10T>A (NM_001375819.1).
Identifiers: ClinVar variation 4772283 (VCV004772283.1).

ClinVar aggregate classification (germline): Uncertain significance (1 of 4 stars; one submission).

Conditions:
Tatton-Brown-Rahman overgrowth syndrome. Also called: Tatton-Brown-Rahman syndrome; Tall stature-intellectual disability-facial dysmorphism syndrome. Identifiers: Orphanet 404443, MedGen C4014545, MONDO:0014382, OMIM 615879.

gnomAD v4.1: 7 of 1,613,292 alleles (0.00043%); highest among the groups gnomAD compares: African/African-American, 0.0013%; no homozygotes.

Submission:

Labcorp Genetics (formerly Invitae), Labcorp
Classification: Uncertain significance for Tatton-Brown-Rahman overgrowth syndrome. Last evaluated: 2025-07-21. Review status: criteria provided, single submitter. Criteria: Invitae Variant Classification Sherloc (09022015). Collection method: clinical testing. Allele origin: germline.
Comment: This sequence change falls in intron 13 of the DNMT3A gene. It does not directly change the encoded amino acid sequence of the DNMT3A protein. The frequency data for this variant in the population databases is considered unreliable, as metrics indicate poor data quality at this position in the gnomAD database. This variant has not been reported in the literature in individuals affected with DNMT3A-related conditions. Algorithms developed to predict the effect of sequence changes on RNA splicing suggest that this variant may disrupt the consensus splice site. In summary, the available evidence is currently insufficient to determine the role of this variant in disease. Therefore, it has been classified as a Variant of Uncertain Significance.